The following is an entry in ClinVar:

NM_003467.3(CXCR4):c.884G>A (p.Cys295Tyr)

Gene: CXCR4 (C-X-C motif chemokine receptor 4; minus strand). Cytogenetic location: 2q22.1.
Variant type: single nucleotide variant.
Coding change: c.884G>A on transcript NM_003467.3 (MANE Select); coding-DNA position 884, G replaced by A.
Protein change: p.Cys295Tyr; replaces cysteine 295 with tyrosine.
Molecular consequence: missense variant.
Genome position (GRCh38, 1-based): chr2:136,115,044, C>T on the plus strand (G>A on the coding strand, the complement: CXCR4 is on the minus strand). VCF-style: chr2-136115044-C-T. GRCh37 (hg19) VCF-style: chr2-136872614-C-T.
Other names: c.896G>A, p.Cys299Tyr (NM_001008540.2); c.1097G>A, p.Cys366Tyr (NM_001348056.2); c.983G>A, p.Cys328Tyr (NM_001348059.2); c.839G>A, p.Cys280Tyr (NM_001348060.2); short protein forms C280Y, C299Y, C328Y, C366Y, C295Y.
Identifiers: ClinVar variation 2837444 (VCV002837444.3), dbSNP rs2467263465, ClinGen allele CA348657751.
Genomic context (GRCh38, chr2:136,115,044, plus strand): 5'-TGCTGGGCAGAGGTTTTAAATTTGGCTCCAAGGAAAGCATAGAGGATGGGGTTCAGACAA[C>T]AGTGGAAGAAAGCTAGGGCCTCGGTGATGGAAATCCACTTGTGCACAGTGTTCTCAAACT-3'
Protein context (NP_003458.1, residues 285-305): SITEALAFFH[Cys295Tyr]CLNPILYAFL

ClinVar aggregate classification (germline): Uncertain significance (1 of 4 stars; one submission).

Conditions:
Warts, hypogammaglobulinemia, infections, and myelokathexis. Also called: WHIM syndrome. Identifiers: MedGen C0472817, MONDO:0023880.

Submission:

Labcorp Genetics (formerly Invitae), Labcorp
Classification: Uncertain significance for Warts, hypogammaglobulinemia, infections, and myelokathexis. Last evaluated: 2024-10-29. Review status: criteria provided, single submitter. Criteria: Invitae Variant Classification Sherloc (09022015). Collection method: clinical testing. Allele origin: germline.
Comment: This sequence change replaces cysteine, which is neutral and slightly polar, with tyrosine, which is neutral and polar, at codon 295 of the CXCR4 protein (p.Cys295Tyr). This variant is not present in population databases (gnomAD no frequency). This variant has not been reported in the literature in individuals affected with CXCR4-related conditions. An algorithm developed to predict the effect of missense changes on protein structure and function (PolyPhen-2) suggests that this variant is likely to be disruptive. In summary, the available evidence is currently insufficient to determine the role of this variant in disease. Therefore, it has been classified as a Variant of Uncertain Significance.